The following is an entry in ClinVar:

NM_004369.4(COL6A3):c.3732C>T (p.Ala1244=)

Gene: COL6A3 (collagen type VI alpha 3 chain; minus strand). Cytogenetic location: 2q37.3.
Variant type: single nucleotide variant.
Coding change: c.3732C>T on transcript NM_004369.4 (MANE Select); coding-DNA position 3732, C replaced by T.
Protein change: p.Ala1244=; no amino-acid change (alanine 1244 retained).
Molecular consequence: synonymous variant.
Genome position (GRCh38, 1-based): chr2:237,372,285, G>A on the plus strand (C>T on the coding strand, the complement: COL6A3 is on the minus strand). VCF-style: chr2-237372285-G-A. GRCh37 (hg19) VCF-style: chr2-238280928-G-A.
Other names: c.2511C>T, p.Ala837= (NM_057164.5); c.3114C>T, p.Ala1038= (NM_057165.5, NM_057167.4); c.1911C>T, p.Ala637= (NM_057166.5).
Identifiers: ClinVar variation 335127 (VCV000335127.16), dbSNP rs193265138, ClinGen allele CA2189089.

ClinVar aggregate classification (germline): Conflicting classifications of pathogenicity. Review status: criteria provided, conflicting classifications (1 of 4 stars). 5 submissions from 5 submitters: Uncertain significance (2); Likely benign (2). 1 of the submissions does not count toward it. Last evaluated 2026-07-01.

Conditions:
Collagen 6-related myopathy. Identifiers: MedGen CN117976, MONDO:0100225.
COL6A3-related disorder. Also called: COL6A3-related disorders; COL6A3-related condition.
Bethlem myopathy 1A. Also called: Bethlem myopathy 1; Bethlem Muscular Dystrophy; MYOPATHY, BENIGN CONGENITAL, WITH CONTRACTURES. Identifiers: Orphanet 610, MedGen CN029274, MONDO:0024530, OMIM 158810.

Allele frequency attached by ClinVar (database versions not stated): 1000 Genomes Project 30x 0.00016; 1000 Genomes Project 0.00020; gnomAD exomes 0.00004 and 0.00005; TOPMed 0.00004; gnomAD 0.00006; ExAC 0.00007; ESP Exome Variant Server 0.00008.
gnomAD v4.1: 63 of 1,612,460 alleles (0.0039%); highest among the groups gnomAD compares: East Asian, 0.013%; 1 homozygote.

Submissions (5):

CeGaT Center for Human Genetics Tuebingen
Classification: Likely benign. Last evaluated: 2026-07-01. Review status: criteria provided, single submitter. Criteria: CeGaT Center For Human Genetics Tuebingen Variant Classification Criteria Version 2. Collection method: clinical testing. Allele origin: germline. Affected: yes. Observed: 1 variant allele.
Comment: COL6A3: BP4, BP7

Labcorp Genetics (formerly Invitae), Labcorp
Classification: Likely benign for Bethlem myopathy 1A. Last evaluated: 2025-08-20. Review status: criteria provided, single submitter. Criteria: Invitae Variant Classification Sherloc (09022015). Collection method: clinical testing. Allele origin: germline.

Illumina Laboratory Services, Illumina
Classification: Uncertain significance for Collagen VI-related myopathy. Last evaluated: 2018-01-13. Review status: criteria provided, single submitter. Criteria: ICSL Variant Classification Criteria 13 December 2019. Collection method: clinical testing. Allele origin: germline.

Eurofins Ntd Llc (ga)
Classification: Uncertain significance. Last evaluated: 2017-04-27. Review status: criteria provided, single submitter. Criteria: EGL Classification Definitions 2015. Collection method: clinical testing. Allele origin: germline. Observed: 1 variant allele, 1 heterozygote.

PreventionGenetics, part of Exact Sciences
Classification: Likely benign for COL6A3-related condition. Last evaluated: 2019-07-15. Review status: no assertion criteria provided. Collection method: clinical testing. Allele origin: germline. Not counted in ClinVar's aggregate classification.
Comment: This variant is classified as likely benign based on ACMG/AMP sequence variant interpretation guidelines (Richards et al. 2015 PMID: 25741868, with internal and published modifications).